The following is an entry in ClinVar:

NM_001393629.1(RIMBP2):c.1182G>A (p.Ser394=)

Gene: RIMBP2 (RIMS binding protein 2; minus strand). Cytogenetic location: 12q24.33.
Variant type: single nucleotide variant.
Coding change: c.1182G>A on transcript NM_001393629.1 (MANE Select); coding-DNA position 1182, G replaced by A.
Protein change: p.Ser394=; no amino-acid change (serine 394 retained).
Molecular consequence: synonymous variant.
Genome position (GRCh38, 1-based): chr12:130,442,170, C>T on the plus strand (G>A on the coding strand, the complement: RIMBP2 is on the minus strand). VCF-style: chr12-130442170-C-T. GRCh37 (hg19) VCF-style: chr12-130926715-C-T.
Other names: c.1182G>A, p.Ser394= (NM_001351226.2, NM_001351227.2, NM_001351228.2 and 19 more transcripts); c.855G>A, p.Ser285= (NM_001351233.2); c.1131G>A, p.Ser377= (NM_015347.5).
Identifiers: ClinVar variation 2643593 (VCV002643593.24), dbSNP rs138793493, ClinGen allele CA6878347.

ClinVar aggregate classification (germline): Likely benign (1 of 4 stars; one submission).

Allele frequency attached by ClinVar (database versions not stated): ExAC 0.00209; gnomAD 0.00228; gnomAD exomes 0.00255; ESP Exome Variant Server 0.00261; TOPMed 0.00265; 1000 Genomes Project 0.00280; 1000 Genomes Project 30x 0.00281.
gnomAD v4.1: 4,075 of 1,614,166 alleles (0.25%); highest among the groups gnomAD compares: Admixed American, 0.37%; 18 homozygotes.

Submission:

CeGaT Center for Human Genetics Tuebingen
Classification: Likely benign. Last evaluated: 2025-02-01. Review status: criteria provided, single submitter. Criteria: CeGaT Center For Human Genetics Tuebingen Variant Classification Criteria Version 2. Collection method: clinical testing. Allele origin: germline. Affected: yes. Observed: 2 variant alleles.
Comment: RIMBP2: BP4, BP7, BS2